The following is an entry in ClinVar:

NM_005458.8(GABBR2):c.1339G>A (p.Asp447Asn)

Gene: GABBR2 (gamma-aminobutyric acid type B receptor subunit 2; minus strand). Cytogenetic location: 9q22.33.
Variant type: single nucleotide variant.
Coding change: c.1339G>A on transcript NM_005458.8 (MANE Select); coding-DNA position 1339, G replaced by A.
Protein change: p.Asp447Asn; replaces aspartic acid 447 with asparagine.
Molecular consequence: missense variant.
Genome position (GRCh38, 1-based): chr9:98,394,214, C>T on the plus strand (G>A on the coding strand, the complement: GABBR2 is on the minus strand). VCF-style: chr9-98394214-C-T. GRCh37 (hg19) VCF-style: chr9-101156496-C-T.
Other names: short protein forms D447N.
Identifiers: ClinVar variation 3019304 (VCV003019304.3), dbSNP rs546835197, ClinGen allele CA5152748.

ClinVar aggregate classification (germline): Uncertain significance (1 of 4 stars; one submission).

Conditions:
Epileptic encephalopathy. Identifiers: MedGen C0543888, HP:0200134.

Allele frequency attached by ClinVar (database versions not stated): gnomAD 0.00001; gnomAD exomes 0.00002; ExAC 0.00004; 1000 Genomes Project 30x 0.00016; 1000 Genomes Project 0.00020.
gnomAD v4.1: 25 of 1,613,976 alleles (0.0015%); highest among the groups gnomAD compares: South Asian, 0.014%; 1 homozygote.

Submission:

Labcorp Genetics (formerly Invitae), Labcorp
Classification: Uncertain significance for Epileptic encephalopathy. Last evaluated: 2024-07-16. Review status: criteria provided, single submitter. Criteria: Invitae Variant Classification Sherloc (09022015). Collection method: clinical testing. Allele origin: germline.
Comment: This sequence change replaces aspartic acid, which is acidic and polar, with asparagine, which is neutral and polar, at codon 447 of the GABBR2 protein (p.Asp447Asn). This variant is present in population databases (rs546835197, gnomAD 0.01%). This variant has not been reported in the literature in individuals affected with GABBR2-related conditions. Advanced modeling of protein sequence and biophysical properties (such as structural, functional, and spatial information, amino acid conservation, physicochemical variation, residue mobility, and thermodynamic stability) performed at Invitae indicates that this missense variant is not expected to disrupt GABBR2 protein function with a negative predictive value of 80%. In summary, the available evidence is currently insufficient to determine the role of this variant in disease. Therefore, it has been classified as a Variant of Uncertain Significance.